The following is an entry in ClinVar:

NM_000318.3(PEX2):c.221C>G (p.Ala74Gly)

Gene: PEX2 (peroxisomal biogenesis factor 2; minus strand). Cytogenetic location: 8q21.13.
Variant type: single nucleotide variant.
Coding change: c.221C>G on transcript NM_000318.3 (MANE Select); coding-DNA position 221, C replaced by G.
Protein change: p.Ala74Gly; replaces alanine 74 with glycine.
Molecular consequence: missense variant.
Genome position (GRCh38, 1-based): chr8:76,983,958, G>C on the plus strand (C>G on the coding strand, the complement: PEX2 is on the minus strand). VCF-style: chr8-76983958-G-C. GRCh37 (hg19) VCF-style: chr8-77896194-G-C.
Other names: c.221C>G, p.Ala74Gly (NM_001079867.2, NM_001172086.2, NM_001172087.2); short protein forms A74G.
Identifiers: ClinVar variation 1398394 (VCV001398394.8), dbSNP rs1305420150, ClinGen allele CA371557824.

ClinVar aggregate classification (germline): Uncertain significance (1 of 4 stars; one submission).

Conditions:
Peroxisome biogenesis disorder 5A (Zellweger) (PBD5A). Identifiers: Orphanet 912, MedGen C3553940, MONDO:0013932, OMIM 614866.

Submission:

Labcorp Genetics (formerly Invitae), Labcorp
Classification: Uncertain significance for Peroxisome biogenesis disorder 5A (Zellweger). Last evaluated: 2024-01-08. Review status: criteria provided, single submitter. Criteria: Invitae Variant Classification Sherloc (09022015). Collection method: clinical testing. Allele origin: germline.
Comment: This sequence change replaces alanine, which is neutral and non-polar, with glycine, which is neutral and non-polar, at codon 74 of the PEX2 protein (p.Ala74Gly). This variant is not present in population databases (gnomAD no frequency). This variant has not been reported in the literature in individuals affected with PEX2-related conditions. ClinVar contains an entry for this variant (Variation ID: 1398394). Advanced modeling of protein sequence and biophysical properties (such as structural, functional, and spatial information, amino acid conservation, physicochemical variation, residue mobility, and thermodynamic stability) performed at Invitae indicates that this missense variant is not expected to disrupt PEX2 protein function with a negative predictive value of 80%. In summary, the available evidence is currently insufficient to determine the role of this variant in disease. Therefore, it has been classified as a Variant of Uncertain Significance.